The following is an entry in ClinVar:

ClinVar aggregate classification (germline): Likely benign. Review status: criteria provided, multiple submitters, no conflicts (2 of 4 stars). 2 submissions from 2 submitters: Likely benign (2). Last evaluated 2026-04-10.

Conditions:
DICER1-related tumor predisposition. Also called: DICER1-related pleuropulmonary blastoma cancer predisposition syndrome; DICER1 syndrome. Identifiers: Orphanet 284343, MedGen C3839822, MONDO:0100216.

Submissions (2):

Myriad Genetics, Inc.
Classification: Likely benign for DICER1-related tumor predisposition. Last evaluated: 2026-04-10. Review status: criteria provided, single submitter. Criteria: Myriad Autosomal Dominant, Autosomal Recessive and X-Linked Classification Criteria (2023). Collection method: clinical testing. Allele origin: unknown.
Comment: This variant is considered likely benign. This variant is intronic and is not expected to impact mRNA splicing.

Labcorp Genetics (formerly Invitae), Labcorp
Classification: Likely benign for DICER1-related tumor predisposition. Last evaluated: 2024-09-23. Review status: criteria provided, single submitter. Criteria: Invitae Variant Classification Sherloc (09022015). Collection method: clinical testing. Allele origin: germline.

NM_177438.3(DICER1):c.574-5G>T

Gene: DICER1 (dicer 1, ribonuclease III; minus strand). Cytogenetic location: 14q32.13.
Variant type: single nucleotide variant.
Coding change: c.574-5G>T on transcript NM_177438.3 (MANE Select); 5 bases into the intron before coding-DNA position 574, G replaced by T.
Molecular consequence: intron variant.
Genome position (GRCh38, 1-based): chr14:95,129,637, C>A on the plus strand (G>T on the coding strand, the complement: DICER1 is on the minus strand). VCF-style: chr14-95129637-C-A. GRCh37 (hg19) VCF-style: chr14-95595974-C-A.
Other names: c.574-5G>T (NM_001291628.2, NM_030621.4, NM_001271282.3 and 1 more transcripts).
Identifiers: ClinVar variation 417109 (VCV000417109.14), dbSNP rs368253792, ClinGen allele CA16614564.